The following is an entry in ClinVar:

ClinVar aggregate classification (germline): not provided (0 of 4 stars; one submission).

Allele frequency attached by ClinVar (database versions not stated): TOPMed 0.00006; gnomAD 0.00021 and 0.00022; gnomAD exomes 0.00025; 1000 Genomes Project 30x 0.00031; 1000 Genomes Project 0.00040.
gnomAD v4.1: 153 of 650,460 alleles (0.024%); highest among the groups gnomAD compares: Non-Finnish European, 0.025%; no homozygotes.

Submission:

Human Evolutionary Genetics, Institut Pasteur
No classification provided. Review status: no classification provided. Collection method: not provided. Allele origin: germline.
ClinVar note: Converted during submission from untested to not provided.

NM_178844.4(NLRC3):c.-341G>T

Gene: NLRC3 (NLR family CARD domain containing 3; minus strand). Cytogenetic location: 16p13.3.
Variant type: single nucleotide variant.
Coding change: c.-341G>T on transcript NM_178844.4 (MANE Select); 341 bases upstream of the start codon, G replaced by T.
Molecular consequence: 5 prime UTR variant. On other transcripts: non-coding transcript variant (1).
Genome position (GRCh38, 1-based): chr16:3,577,321, C>A on the plus strand (G>T on the coding strand, the complement: NLRC3 is on the minus strand). VCF-style: chr16-3577321-C-A. GRCh37 (hg19) VCF-style: chr16-3627322-C-A.
Identifiers: ClinVar variation 102963 (VCV000102963.2), dbSNP rs199475932, ClinGen allele CA229929.